The following is an entry in ClinVar:

ClinVar aggregate classification (germline): Conflicting classifications of pathogenicity. Review status: criteria provided, conflicting classifications (1 of 4 stars). 3 submissions from 3 submitters: Uncertain significance (2); Likely benign (1). Last evaluated 2024-10-04.

Conditions:
Myopathy, centronuclear, 5 (CNM5). Identifiers: Orphanet 169186, MedGen C4014814, MONDO:0014418, OMIM 615959.

Allele frequency attached by ClinVar (database versions not stated): TOPMed 0.00003; gnomAD 0.00007; gnomAD exomes 0.00010; ExAC 0.00025; 1000 Genomes Project 30x 0.00078; 1000 Genomes Project 0.00080.

Submissions (3):

Blueprint Genetics
Classification: Likely benign. Last evaluated: 2024-10-04. Review status: criteria provided, single submitter. Criteria: ACMG Guidelines, 2015. Collection method: clinical testing. Allele origin: germline.

Revvity Omics, Revvity
Classification: Uncertain significance for Myopathy, centronuclear, 5. Last evaluated: 2023-04-11. Review status: criteria provided, single submitter. Criteria: ACMG Guidelines, 2015. Collection method: clinical testing. Allele origin: germline.

Labcorp Genetics (formerly Invitae), Labcorp
Classification: Uncertain significance. Last evaluated: 2022-06-18. Review status: criteria provided, single submitter. Criteria: Invitae Variant Classification Sherloc (09022015). Collection method: clinical testing. Allele origin: germline.
Comment: This sequence change replaces methionine, which is neutral and non-polar, with isoleucine, which is neutral and non-polar, at codon 1459 of the SPEG protein (p.Met1459Ile). This variant is present in population databases (rs528226744, gnomAD 0.2%). This variant has not been reported in the literature in individuals affected with SPEG-related conditions. Algorithms developed to predict the effect of missense changes on protein structure and function output the following: SIFT: "Tolerated"; PolyPhen-2: "Benign"; Align-GVGD: "Class C0". The isoleucine amino acid residue is found in multiple mammalian species, which suggests that this missense change does not adversely affect protein function. In summary, the available evidence is currently insufficient to determine the role of this variant in disease. Therefore, it has been classified as a Variant of Uncertain Significance.

NM_005876.5(SPEG):c.4377G>A (p.Met1459Ile)

Gene: SPEG (striated muscle enriched protein kinase; plus strand). Cytogenetic location: 2q35.
Variant type: single nucleotide variant.
Coding change: c.4377G>A on transcript NM_005876.5 (MANE Select); coding-DNA position 4377, G replaced by A.
Protein change: p.Met1459Ile; replaces methionine 1459 with isoleucine.
Molecular consequence: missense variant.
Genome position (GRCh38, 1-based): chr2:219,473,833, G>A. VCF-style: chr2-219473833-G-A. GRCh37 (hg19) VCF-style: chr2-220338555-G-A.
Other names: short protein forms M1459I.
Identifiers: ClinVar variation 2169350 (VCV002169350.4), dbSNP rs528226744, ClinGen allele CA2126479.
Genomic context (GRCh38, chr2:219,473,833, plus strand): 5'-GAGCCAGCCAGATGATGACCAGTACTGTCTTCGGATCTGCCGGGTGAGCCGCCGGGACAT[G>A]GGGGCCCTCACCTGCACCGCCCGAAACCGTCACGGCACACAGACCTGCTCGGTCACATTG-3'
Protein context (NP_005867.3, residues 1449-1469): LRICRVSRRD[Met1459Ile]GALTCTARNR